The following is an entry in ClinVar:

NM_206926.2(SELENON):c.1294C>T (p.Arg432Trp)

Gene: SELENON (selenoprotein N; plus strand). Cytogenetic location: 1p36.11.
Variant type: single nucleotide variant.
Coding change: c.1294C>T on transcript NM_206926.2 (MANE Select); coding-DNA position 1294, C replaced by T.
Protein change: p.Arg432Trp; replaces arginine 432 with tryptophan.
Molecular consequence: missense variant.
Genome position (GRCh38, 1-based): chr1:25,813,889, C>T. VCF-style: chr1-25813889-C-T. GRCh37 (hg19) VCF-style: chr1-26140380-C-T.
Other names: NM_206926.2:c.1294C>T; c.1396C>T, p.Arg466Trp (NM_020451.3); short protein forms R466W, R432W.
Identifiers: ClinVar variation 1415561 (VCV001415561.11), dbSNP rs752156505, ClinGen allele CA696871.

ClinVar aggregate classification (germline): Conflicting classifications of pathogenicity. Review status: criteria provided, conflicting classifications (1 of 4 stars). 6 submissions from 6 submitters: Pathogenic (2); Likely pathogenic (2); Uncertain significance (1). 1 of the submissions does not count toward it. Last evaluated 2025-06-06.

Conditions:
Eichsfeld type congenital muscular dystrophy (CMYO3). Also called: MYOPATHY, SEPN1-RELATED; SELENON-related myopathy; Congenital myopathy 3 with rigid spine; Rigid spine muscular dystrophy 1. Identifiers: MedGen C0410180, MONDO:0100100, OMIM 602771.

Allele frequency attached by ClinVar (database versions not stated): ExAC 0.00001; gnomAD exomes 0.00001; gnomAD 0.00001.
gnomAD v4.1: 14 of 1,613,644 alleles (0.00087%); highest among the groups gnomAD compares: Non-Finnish European, 0.0012%; no homozygotes.

Submissions (6):

Women's Health and Genetics/Laboratory Corporation of America, LabCorp
Classification: Pathogenic for Eichsfeld type congenital muscular dystrophy. Last evaluated: 2025-06-06. Review status: criteria provided, single submitter. Criteria: LabCorp Variant Classification Summary - May 2015. Collection method: clinical testing. Allele origin: germline.
Comment: Variant summary: SELENON c.1396C>T (p.Arg466Trp) results in a non-conservative amino acid change in the encoded protein sequence. Algorithms developed to predict the effect of missense changes on protein structure and function all suggest that this variant is likely to be disruptive. The variant allele was found at a frequency of 8e-06 in 249296 control chromosomes. c.1396C>T has been observed in multiple individuals affected with Eichsfeld Type Congenital Muscular Dystrophy (example: Bachmann_2019, Andrews_2021, Fan_2022, Internal data). These data indicate that the variant is very likely to be associated with disease. A different variant affecting the same codon has been classified as likely pathogenic/pathogenic by our lab (c.1397G>A, p.Arg466Gln), supporting the critical relevance of codon 466 to SELENON protein function. The following publications have been ascertained in the context of this evaluation (PMID: 34136918, 30932294, 35368679, 28357410). ClinVar contains an entry for this variant (Variation ID: 1415561). Based on the evidence outlined above, the variant was classified as pathogenic.

GeneDx
Classification: Likely pathogenic. Last evaluated: 2023-03-22. Review status: criteria provided, single submitter. Criteria: GeneDx Variant Classification Process June 2021. Collection method: clinical testing. Allele origin: germline.
Comment: Reported with a second SELENON variant, phase unknown, in an individual with congenital myopathy and scoliosis (Witting et al., 2017).; Not observed at significant frequency in large population cohorts (gnomAD); In silico analysis supports that this missense variant has a deleterious effect on protein structure/function; This variant is associated with the following publications: (PMID: 30932294, 32796131, 28357410, 35368679, 34136918)

Broad Center for Mendelian Genomics, Broad Institute of MIT and Harvard
Classification: Likely pathogenic. Last evaluated: 2023-01-24. Review status: criteria provided, single submitter. Criteria: ACMG Guidelines, 2015. Collection method: curation. Allele origin: germline. Inheritance: Autosomal recessive inheritance.
Comment: The p.Arg466Trp variant in SELENON has been reported in 4 individuals with SELENON-RM (PMID: 28357410, 28357410, 34136918, Concentino_2016) and has been identified in 0.005% (1/19532) of East Asian chromosomes by the Genome Aggregation Database (gnomAD; dbSNP ID: rs752156505). Although this variant has been seen in the general population in a heterozygous state, its frequency is low enough to be consistent with a recessive carrier frequency. Of the 4 affected individuals, 1 of those was a homozygote, which increases the likelihood that the p.Arg466Trp variant is pathogenic (PMID: 34136918). Computational prediction tools and conservation analyses suggest that this variant may impact the protein, though this information is not predictive enough to determine pathogenicity. One additional pathogenic variant, resulting in a different amino acid change at the same position, p.Arg466Gln, has been reported in association with disease in the literature and in ClinVar, supporting that a change at this position may not be tolerated (PMID: 11528383, 12192640, 17951086, 18713863, 21670436, 23394784, 24988964, 30921636, 33652732, 33726816, 32661288; Variation ID: 4492). In summary, although additional studies are required to fully establish its clinical significance, this variant is likely pathogenic for autosomal recessive SELENON-RM. ACMG/AMP Criteria applied: PM2, PM5, PP3, PM3_supporting (Richards 2015).

Labcorp Genetics (formerly Invitae), Labcorp
Classification: Pathogenic for Eichsfeld type congenital muscular dystrophy. Last evaluated: 2022-02-02. Review status: criteria provided, single submitter. Criteria: Invitae Variant Classification Sherloc (09022015). Collection method: clinical testing. Allele origin: germline.
Comment: This missense change has been observed in individual(s) with clinical features of SELENON-related conditions (PMID: 28357410, 30932294; Invitae). In at least one individual the data is consistent with being in trans (on the opposite chromosome) from a pathogenic variant. This sequence change replaces arginine, which is basic and polar, with tryptophan, which is neutral and slightly polar, at codon 466 of the SELENON protein (p.Arg466Trp). This variant is present in population databases (rs752156505, gnomAD 0.005%). Advanced modeling of protein sequence and biophysical properties (such as structural, functional, and spatial information, amino acid conservation, physicochemical variation, residue mobility, and thermodynamic stability) performed at Invitae indicates that this missense variant is expected to disrupt SELENON protein function. For these reasons, this variant has been classified as Pathogenic.

Blueprint Genetics
Classification: Uncertain significance. Last evaluated: 2018-07-13. Review status: criteria provided, single submitter. Criteria: ACMG Guidelines, 2015. Collection method: clinical testing. Allele origin: germline.

Molecular Genetics laboratory, Necker Hospital
Classification: Pathogenic. Last evaluated: 2022-04-04. Review status: no assertion criteria provided. Collection method: clinical testing. Allele origin: biparental. Affected: yes. Not counted in ClinVar's aggregate classification.

Literature cited by the submitters: PubMed 30932294 (cited by Women's Health and Genetics/Laboratory Corporation of America, LabCorp and Labcorp Genetics (formerly Invitae), Labcorp); PubMed 35368679 (cited by Women's Health and Genetics/Laboratory Corporation of America, LabCorp); PubMed 34136918 (cited by Women's Health and Genetics/Laboratory Corporation of America, LabCorp); PubMed 28357410 (cited by Women's Health and Genetics/Laboratory Corporation of America, LabCorp and Labcorp Genetics (formerly Invitae), Labcorp).